The following is an entry in ClinVar:

ClinVar aggregate classification (germline): Uncertain significance (1 of 4 stars; one submission).

Conditions:
Combined oxidative phosphorylation defect type 27. Also called: Combined oxidative phosphorylation deficiency 27. Identifiers: Orphanet 477774, MedGen C5567608, MONDO:0014728, OMIM 616672.

Allele frequency attached by ClinVar (database versions not stated): TOPMed 0.00002; gnomAD exomes 0.00004; ExAC 0.00007.
gnomAD v4.1: 69 of 1,611,714 alleles (0.0043%); highest among the groups gnomAD compares: South Asian, 0.014%; no homozygotes.

Submission:

Labcorp Genetics (formerly Invitae), Labcorp
Classification: Uncertain significance for Combined oxidative phosphorylation defect type 27. Last evaluated: 2024-05-22. Review status: criteria provided, single submitter. Criteria: Invitae Variant Classification Sherloc (09022015). Collection method: clinical testing. Allele origin: germline.
Comment: This sequence change falls in intron 13 of the CARS2 gene. It does not directly change the encoded amino acid sequence of the CARS2 protein. It affects a nucleotide within the consensus splice site. This variant is present in population databases (rs751078446, gnomAD 0.02%). This variant has not been reported in the literature in individuals affected with CARS2-related conditions. ClinVar contains an entry for this variant (Variation ID: 2086206). Variants that disrupt the consensus splice site are a relatively common cause of aberrant splicing (PMID: 17576681, 9536098). Algorithms developed to predict the effect of sequence changes on RNA splicing suggest that this variant is not likely to affect RNA splicing. In summary, the available evidence is currently insufficient to determine the role of this variant in disease. Therefore, it has been classified as a Variant of Uncertain Significance.

Literature cited by the submitters: PubMed 17576681; PubMed 9536098.

NM_024537.4(CARS2):c.1416+5G>A

Gene: CARS2 (cysteinyl-tRNA synthetase 2, mitochondrial; minus strand). Cytogenetic location: 13q34.
Variant type: single nucleotide variant.
Coding change: c.1416+5G>A on transcript NM_024537.4 (MANE Select); 5 bases into the intron after coding-DNA position 1416, G replaced by A.
Molecular consequence: intron variant.
Genome position (GRCh38, 1-based): chr13:110,644,380, C>T on the plus strand (G>A on the coding strand, the complement: CARS2 is on the minus strand). VCF-style: chr13-110644380-C-T. GRCh37 (hg19) VCF-style: chr13-111296727-C-T.
Other names: c.630+5G>A (NM_001352252.2).
Identifiers: ClinVar variation 2086206 (VCV002086206.3), dbSNP rs751078446, ClinGen allele CA7051797.
Genomic context (GRCh38, chr13:110,644,380, plus strand): 5'-GTAAAGGTTATTGTCCCAACATGGAGAAAATTCCAGAATTAAGCATTTAAAATAATAGGA[C>T]CTACCTGTTGATTTGCCAGAGAAATTCCAACAGTTTCAAAAAACTGTTCAAAGTAAGAGA-3'